The following is an entry in ClinVar:

NM_005560.6(LAMA5):c.617G>A (p.Arg206His)

Gene: LAMA5 (laminin subunit alpha 5; minus strand). Cytogenetic location: 20q13.33.
Variant type: single nucleotide variant.
Coding change: c.617G>A on transcript NM_005560.6 (MANE Select); coding-DNA position 617, G replaced by A.
Protein change: p.Arg206His; replaces arginine 206 with histidine.
Molecular consequence: missense variant.
Genome position (GRCh38, 1-based): chr20:62,352,312, C>T on the plus strand (G>A on the coding strand, the complement: LAMA5 is on the minus strand). VCF-style: chr20-62352312-C-T. GRCh37 (hg19) VCF-style: chr20-60927368-C-T.
Other names: short protein forms R206H.
Identifiers: ClinVar variation 4071602 (VCV004071602.1).

ClinVar aggregate classification (germline): Uncertain significance (1 of 4 stars; one submission).

Submission:

GeneDx
Classification: Uncertain significance. Last evaluated: 2025-01-22. Review status: criteria provided, single submitter. Criteria: GeneDx Variant Classification Process June 2021. Collection method: clinical testing. Allele origin: germline. Affected: yes.
Comment: In silico analysis supports that this missense variant has a deleterious effect on protein structure/function; Has not been previously published as pathogenic or benign to our knowledge